The following is an entry in ClinVar:

NM_001148.6(ANK2):c.10375C>T (p.Pro3459Ser)

Gene: ANK2 (ankyrin 2; plus strand). Cytogenetic location: 4q26.
Variant type: single nucleotide variant.
Coding change: c.10375C>T on transcript NM_001148.6 (MANE Select); coding-DNA position 10375, C replaced by T.
Protein change: p.Pro3459Ser; replaces proline 3459 with serine.
Molecular consequence: missense variant. On other transcripts: intron variant (68).
Genome position (GRCh38, 1-based): chr4:113,358,993, C>T. VCF-style: chr4-113358993-C-T. GRCh37 (hg19) VCF-style: chr4-114280149-C-T.
Other names: c.10141C>T, p.Pro3381Ser (NM_001386142.1); c.6775C>T, p.Pro2259Ser (NM_001386166.1); c.10516C>T, p.Pro3506Ser (NM_001386174.1); c.10492C>T, p.Pro3498Ser (NM_001386175.1); c.4412-1830C>T (NM_001386186.2, NM_001386148.2); c.4214-1830C>T (NM_001354269.3); c.4292-1830C>T (NM_001386187.2); c.4253-1830C>T (NM_001386147.1); and 35 more; short protein forms P2259S, P3381S, P3459S, P3498S, P3506S.
Identifiers: ClinVar variation 1050947 (VCV001050947.8), dbSNP rs761631834, ClinGen allele CA3052065.

ClinVar aggregate classification (germline): Uncertain significance. Review status: criteria provided, multiple submitters, no conflicts (2 of 4 stars). 3 submissions from 3 submitters: Uncertain significance (3). Last evaluated 2023-11-06.

Conditions:
Cardiovascular phenotype. Identifiers: MedGen CN230736.
Long QT syndrome (LQTS). Identifiers: MedGen C0023976, MeSH D008133, MONDO:0002442. Disease mechanism: loss of function. Inheritance: Various modes of inheritance.
Cardiac arrhythmia, ankyrin-B-related. Also called: ANKYRIN-B SYNDROME. Identifiers: Orphanet 101016, Orphanet 768, MedGen C1970119, MONDO:0010958, OMIM 600919.

Allele frequency attached by ClinVar (database versions not stated): ExAC 0.00001; gnomAD 0.00001; TOPMed 0.00001.
gnomAD v4.1: 47 of 1,613,880 alleles (0.0029%); highest among the groups gnomAD compares: Non-Finnish European, 0.0039%; no homozygotes.

Submissions (3):

Labcorp Genetics (formerly Invitae), Labcorp
Classification: Uncertain significance for Long QT syndrome. Last evaluated: 2023-11-06. Review status: criteria provided, single submitter. Criteria: Invitae Variant Classification Sherloc (09022015). Collection method: clinical testing. Allele origin: germline.
Comment: This sequence change replaces proline, which is neutral and non-polar, with serine, which is neutral and polar, at codon 3459 of the ANK2 protein (p.Pro3459Ser). This variant is present in population databases (rs761631834, gnomAD 0.002%). This variant has not been reported in the literature in individuals affected with ANK2-related conditions. ClinVar contains an entry for this variant (Variation ID: 1050947). An algorithm developed to predict the effect of missense changes on protein structure and function (PolyPhen-2) suggests that this variant is likely to be disruptive. In summary, the available evidence is currently insufficient to determine the role of this variant in disease. Therefore, it has been classified as a Variant of Uncertain Significance.

Fulgent Genetics
Classification: Uncertain significance for Cardiac arrhythmia, ankyrin-B-related. Last evaluated: 2021-08-25. Review status: criteria provided, single submitter. Criteria: ACMG Guidelines, 2015. Collection method: clinical testing. Allele origin: unknown.

Ambry Genetics
Classification: Uncertain significance for Cardiovascular phenotype. Last evaluated: 2019-12-11. Review status: criteria provided, single submitter. Criteria: Ambry Variant Classification Scheme 2023. Collection method: clinical testing. Allele origin: germline.
Comment: The p.P3459S variant (also known as c.10375C>T), located in coding exon 38 of the ANK2 gene, results from a C to T substitution at nucleotide position 10375. This exon is expressed solely in brain (Mohler PJ et al. Circulation. 2007;115(4):432-41). The proline at codon 3459 is replaced by serine, an amino acid with similar properties. This amino acid position is well conserved in available vertebrate species. In addition, this alteration is predicted to be deleterious by in silico analysis. Since supporting evidence is limited at this time, the clinical significance of this alteration remains unclear.